The following is an entry in ClinVar:

ClinVar aggregate classification (germline): Benign. Review status: reviewed by expert panel (3 of 4 stars). 6 submissions from 6 submitters: Benign (1). 5 of the submissions do not count toward it. Last evaluated 2024-08-01.

Conditions:
Monogenic diabetes. Identifiers: Orphanet 183625, MedGen C3888631, MONDO:0015967.
Maturity-onset diabetes of the young type 3. Also called: MODY type 3; MODY, type III. Identifiers: Orphanet 552, MedGen C1838100, MeSH C563933, MONDO:0010894, OMIM 600496. Disease mechanism: loss of function.
Type 1 diabetes mellitus 20 (T1D20). Also called: Diabetes mellitus, insulin-dependent, 20. Identifiers: MedGen C2675866, MONDO:0012919, OMIM 612520.
Diabetes mellitus type 1 (T1D). Also called: Diabetes Mellitus, Juvenile-Onset; Type I diabetes mellitus. Identifiers: MedGen C0011854, MONDO:0005147, OMIM 222100, HP:0100651.
Hepatic adenomas, familial. Also called: LIVER CELL ADENOMAS, FAMILIAL; HEPATIC ADENOMA, SOMATIC. Identifiers: MedGen C1840646, MONDO:0007718, OMIM 142330.
Type 2 diabetes mellitus. Also called: Type II diabetes mellitus. Identifiers: MedGen C0011860, MeSH D003924, MONDO:0005148, OMIM 125853, HP:0005978.
Nonpapillary renal cell carcinoma. Identifiers: Orphanet 422526, MedGen CN074294, MONDO:0007763, OMIM 144700.

gnomAD v4.1: 25 of 1,613,928 alleles (0.0015%); highest among the groups gnomAD compares: South Asian, 0.015%; no homozygotes.

Submissions (6):

ClinGen Monogenic Diabetes Variant Curation Expert Panel
Classification: Benign for Monogenic diabetes. Last evaluated: 2024-08-01. Review status: reviewed by expert panel. Criteria: ClinGen Diabetes ACMG Specifications HNF1A V2.1.0. Collection method: curation. Allele origin: germline. Inheritance: Autosomal dominant inheritance.
Comment: The c.1135C>T variant in the HNF1 homeobox A gene, HNF1A, causes an amino acid change of proline to serine at codon 379 (p.(Pro379Ser)) of NM_000545.8. This variant has a Popmax Filtering allele frequency in gnomAD 2.1.1 of 0.0001567, which is greater than the MDEP threshold for BA1 (0.0001)(BA1). This variant is predicted to be deleterious by computational evidence, with a REVEL score of 0.967, which is greater than the MDEP VCEP threshold of 0.70 (PP3). This variant has been observed in unknown phase with the variant c.872dup, p.Gly292Argfs*25 (internal lab contributors), which is classified as pathogenic by the ClinGen MDEP (BP2). This variant was identified in at least 4 unrelated individuals with non- autoimmune and non-absolute/near-absolute insulin-deficient diabetes; however, PS4_Moderate cannot be applied because the variant does not meet the PM2_Supporting cutoff (PMID 18003757, internal lab contributors). In summary, c.1135C>T meets the criteria to be classified as benign for monogenic diabetes. ACMG/AMP criteria applied, as specified by the ClinGen MDEP (specification version 2.1.0, approved 8/11/2023): BA1, BP2, PP3.

Blueprint Genetics
Classification: Uncertain significance. Last evaluated: 2024-07-11. Review status: criteria provided, single submitter. Criteria: ACMG Guidelines, 2015. Collection method: clinical testing. Allele origin: germline. Not counted in ClinVar's aggregate classification.

Labcorp Genetics (formerly Invitae), Labcorp
Classification: Uncertain significance. Last evaluated: 2024-04-23. Review status: criteria provided, single submitter. Criteria: Invitae Variant Classification Sherloc (09022015). Collection method: clinical testing. Allele origin: germline. Not counted in ClinVar's aggregate classification.
Comment: This sequence change replaces proline, which is neutral and non-polar, with serine, which is neutral and polar, at codon 379 of the HNF1A protein (p.Pro379Ser). This variant is present in population databases (rs754729248, gnomAD 0.02%). This missense change has been observed in individual(s) with maturity onset diabetes of the young (PMID: 18003757). ClinVar contains an entry for this variant (Variation ID: 2052397). Advanced modeling of protein sequence and biophysical properties (such as structural, functional, and spatial information, amino acid conservation, physicochemical variation, residue mobility, and thermodynamic stability) performed at Invitae indicates that this missense variant is not expected to disrupt HNF1A protein function with a negative predictive value of 80%. This variant disrupts the p.Pro379 amino acid residue in HNF1A. Other variant(s) that disrupt this residue have been determined to be pathogenic (PMID: 15883474, 21683639, 30293189). This suggests that this residue is clinically significant, and that variants that disrupt this residue are likely to be disease-causing. In summary, the available evidence is currently insufficient to determine the role of this variant in disease. Therefore, it has been classified as a Variant of Uncertain Significance.

Genetic Services Laboratory, University of Chicago
Classification: Uncertain significance. Last evaluated: 2023-10-10. Review status: criteria provided, single submitter. Criteria: ACMG Guidelines, 2015. Collection method: clinical testing. Allele origin: germline. Affected: no. Not counted in ClinVar's aggregate classification.
Comment: DNA sequence analysis of the HNF1A gene demonstrated a sequence change, c.1135C>T, in exon 6 that results in an amino acid change, p.Pro379Ser. This sequence change has been previously described in individuals with maturity onset diabetes of the young (PMID: 18003757). Experimental studies showed that this variant had some impact on the transcriptional activity, DNA binding activity and results in slightly reduced insulin secretion (PMID: 37396188). This sequence change has been described in the gnomAD database with a frequency of 0.022% in the South Asian subpopulation (dbSNP rs754729248). The p.Pro379Ser change affects a highly conserved amino acid residue located in a domain of the HNF1A protein that is known to be functional. The p.Pro379Ser substitution appears to be deleterious using several in-silico pathogenicity prediction tools (SIFT, PolyPhen2, Align GVGD, REVEL). Due to insufficient evidence and the lack of functional studies, the clinical significance of the p.Pro379Ser change remains unknown at this time.

Revvity Omics, Revvity
Classification: Uncertain significance. Last evaluated: 2023-02-13. Review status: criteria provided, single submitter. Criteria: ACMG Guidelines, 2015. Collection method: clinical testing. Allele origin: germline. Not counted in ClinVar's aggregate classification.

Juno Genomics, Hangzhou Juno Genomics, Inc
Classification: Likely pathogenic for Diabetes mellitus type 1; Type 2 diabetes mellitus; Type 1 diabetes mellitus 20; Hepatic adenomas, familial; Maturity-onset diabetes of the young type 3; Nonpapillary renal cell carcinoma. Review status: criteria provided, single submitter. Criteria: ACMG Guidelines, 2015. Collection method: clinical testing. Allele origin: germline. Not counted in ClinVar's aggregate classification.
Comment: Absent from controls (or at extremely low frequency if recessive) in Genome Aggregation Database.;Novel missense change at an amino acid residue where a different missense change determined to be pathogenic has been seen before.;Multiple lines of computational evidence support a deleterious effect on the gene or gene product.;The prevalence of the variant in affected individuals is significantly increased compared to the prevalence in controls.

Literature cited by the submitters: PubMed 18003757 (cited by Labcorp Genetics (formerly Invitae), Labcorp); PubMed 15883474 (cited by Labcorp Genetics (formerly Invitae), Labcorp); PubMed 21683639 (cited by Labcorp Genetics (formerly Invitae), Labcorp); PubMed 30293189 (cited by Labcorp Genetics (formerly Invitae), Labcorp).

NM_000545.8(HNF1A):c.1135C>T (p.Pro379Ser)

Gene: HNF1A (HNF1 homeobox A; plus strand). Cytogenetic location: 12q24.31.
Variant type: single nucleotide variant.
Coding change: c.1135C>T on transcript NM_000545.8 (MANE Select); coding-DNA position 1135, C replaced by T.
Protein change: p.Pro379Ser; replaces proline 379 with serine.
Molecular consequence: missense variant.
Genome position (GRCh38, 1-based): chr12:120,996,568, C>T. VCF-style: chr12-120996568-C-T. GRCh37 (hg19) VCF-style: chr12-121434371-C-T.
Other names: NM_000545.8(HNF1A):c.1135C>T; p.Pro379Ser; c.1135C>T, p.Pro379Ser (NM_001306179.2, NM_001406915.1); c.1135C>T (NM_000545.6); short protein forms P379S.
Identifiers: ClinVar variation 2052397 (VCV002052397.12), dbSNP rs754729248, ClinGen allele CA6831956.
Genomic context (GRCh38, chr12:120,996,568, plus strand): 5'-GCCCCCCGGACACAGCTTGGCTTCCCCTCGTAGGTCTCAGCAGCTGGGGGCCCCCTCCCC[C>T]CTGTCAGCACCCTGACAGCACTGCACAGCTTGGAGCAGACATCCCCAGGCCTCAACCAGC-3'
Protein context (NP_000536.6, residues 369-389): LVSAAGGPLP[Pro379Ser]VSTLTALHSL